The following is an entry in ClinVar:

NM_000038.6(APC):c.4282G>A (p.Gly1428Arg)

Gene: APC (APC regulator of Wnt signaling pathway; plus strand). Cytogenetic location: 5q22.2.
Variant type: single nucleotide variant.
Coding change: c.4282G>A on transcript NM_000038.6 (MANE Select); coding-DNA position 4282, G replaced by A.
Protein change: p.Gly1428Arg; replaces glycine 1428 with arginine.
Molecular consequence: missense variant.
Genome position (GRCh38, 1-based): chr5:112,839,876, G>A. VCF-style: chr5-112839876-G-A. GRCh37 (hg19) VCF-style: chr5-112175573-G-A.
Other names: c.4198G>A, p.Gly1400Arg (NM_001354899.2); c.4009G>A, p.Gly1337Arg (NM_001354902.2); c.3979G>A, p.Gly1327Arg (NM_001354903.2); c.3802G>A, p.Gly1268Arg (NM_001354905.2); c.4159G>A, p.Gly1387Arg (NM_001354900.2); c.3904G>A, p.Gly1302Arg (NM_001354904.2); c.4105G>A, p.Gly1369Arg (NM_001354901.2); c.4282G>A, p.Gly1428Arg (NM_001127510.3, NM_001354895.2); and 5 more; short protein forms G1410R, G1428R, G1145R, G1302R, G1268R, G1327R, G1337R, G1400R.
Identifiers: ClinVar variation 482342 (VCV000482342.8), dbSNP rs1554085707, ClinGen allele CA16030713.

ClinVar aggregate classification (germline): Uncertain significance. Review status: criteria provided, multiple submitters, no conflicts (2 of 4 stars). 2 submissions from 2 submitters: Uncertain significance (2). Last evaluated 2023-11-08.

Conditions:
Hereditary cancer-predisposing syndrome. Also called: Neoplastic Syndromes, Hereditary; Tumor predisposition; Hereditary Cancer Syndrome; Hereditary neoplastic syndrome. Identifiers: Orphanet 140162, MedGen C0027672, MeSH D009386, MONDO:0015356.
Familial adenomatous polyposis 1 (FAP1). Also called: FAMILIAL ADENOMATOUS POLYPOSIS 1, ATTENUATED; POLYPOSIS, ADENOMATOUS INTESTINAL. Identifiers: MedGen C2713442, MONDO:0021056, OMIM 175100. Disease mechanism: loss of function.

Submissions (2):

Ambry Genetics
Classification: Uncertain significance for Hereditary cancer-predisposing syndrome. Last evaluated: 2023-11-08. Review status: criteria provided, single submitter. Criteria: Ambry Variant Classification Scheme 2023. Collection method: clinical testing. Allele origin: germline.
Comment: The p.G1428R variant (also known as c.4282G>A), located in coding exon 15 of the APC gene, results from a G to A substitution at nucleotide position 4282. The glycine at codon 1428 is replaced by arginine, an amino acid with dissimilar properties. This amino acid position is highly conserved in available vertebrate species. In addition, in silico predictors for this gene do not accurately predict pathogenicity. This variant is considered to be rare based on population cohorts in the Genome Aggregation Database (gnomAD). Since supporting evidence is limited at this time, the clinical significance of this alteration remains unclear.

Labcorp Genetics (formerly Invitae), Labcorp
Classification: Uncertain significance for Familial adenomatous polyposis 1. Last evaluated: 2022-12-15. Review status: criteria provided, single submitter. Criteria: Invitae Variant Classification Sherloc (09022015). Collection method: clinical testing. Allele origin: germline.
Comment: This sequence change replaces glycine, which is neutral and non-polar, with arginine, which is basic and polar, at codon 1428 of the APC protein (p.Gly1428Arg). This variant is not present in population databases (gnomAD no frequency). In summary, the available evidence is currently insufficient to determine the role of this variant in disease. Therefore, it has been classified as a Variant of Uncertain Significance. Advanced modeling of protein sequence and biophysical properties (such as structural, functional, and spatial information, amino acid conservation, physicochemical variation, residue mobility, and thermodynamic stability) performed at Invitae indicates that this missense variant is not expected to disrupt APC protein function. ClinVar contains an entry for this variant (Variation ID: 482342). This variant has not been reported in the literature in individuals affected with APC-related conditions.